The following is an entry in ClinVar:

ClinVar aggregate classification (germline): Likely benign. Review status: criteria provided, multiple submitters, no conflicts (2 of 4 stars). 3 submissions from 3 submitters: Likely benign (2). 1 of the submissions does not count toward it. Last evaluated 2019-12-31.

Conditions:
SHROOM3-related disorder. Also called: SHROOM3-related condition.

Allele frequency attached by ClinVar (database versions not stated): 1000 Genomes Project 30x 0.00156; 1000 Genomes Project 0.00200; gnomAD exomes 0.00271 and 0.00336; ESP Exome Variant Server 0.00277; ExAC 0.00294; TOPMed 0.00305; gnomAD 0.00306 and 0.00307.
gnomAD v4.1: 4,558 of 1,612,496 alleles (0.28%); highest among the groups gnomAD compares: Middle Eastern, 2.5%; 33 homozygotes.

Submissions (3):

Labcorp Genetics (formerly Invitae), Labcorp
Classification: Likely benign. Last evaluated: 2019-12-31. Review status: criteria provided, single submitter. Criteria: Invitae Variant Classification Sherloc (09022015). Collection method: clinical testing. Allele origin: germline.

Breakthrough Genomics
Classification: Likely benign. Review status: criteria provided, single submitter. Criteria: ACMG Guidelines, 2015. Collection method: not provided. Allele origin: germline. Inheritance: Unknown mechanism. Affected: yes.

PreventionGenetics, part of Exact Sciences
Classification: Benign for SHROOM3-related condition. Last evaluated: 2019-07-12. Review status: no assertion criteria provided. Collection method: clinical testing. Allele origin: germline. Not counted in ClinVar's aggregate classification.
Comment: This variant is classified as benign based on ACMG/AMP sequence variant interpretation guidelines (Richards et al. 2015 PMID: 25741868, with internal and published modifications).

NM_020859.4(SHROOM3):c.4673A>C (p.Gln1558Pro)

Genes: SHROOM3 (shroom family member 3; plus strand), SHROOM3-AS1 (SHROOM3 antisense RNA 1; minus strand). Cytogenetic location: 4q21.1.
Variant type: single nucleotide variant.
Coding change: c.4673A>C on transcript NM_020859.4 (MANE Select); coding-DNA position 4673, A replaced by C.
Protein change: p.Gln1558Pro; replaces glutamine 1558 with proline.
Molecular consequence: missense variant.
Genome position (GRCh38, 1-based): chr4:76,755,156, A>C. VCF-style: chr4-76755156-A-C. GRCh37 (hg19) VCF-style: chr4-77676309-A-C.
Other names: short protein forms Q1558P.
Identifiers: ClinVar variation 772868 (VCV000772868.7), dbSNP rs138661793, ClinGen allele CA2973067.